The following is an entry in ClinVar:

NM_017763.6(RNF43):c.412C>T (p.Leu138Phe)

Gene: RNF43 (ring finger protein 43; minus strand). Cytogenetic location: 17q22.
Variant type: single nucleotide variant.
Coding change: c.412C>T on transcript NM_017763.6 (MANE Select); coding-DNA position 412, C replaced by T.
Protein change: p.Leu138Phe; replaces leucine 138 with phenylalanine.
Molecular consequence: missense variant.
Genome position (GRCh38, 1-based): chr17:58,363,564, G>A on the plus strand (C>T on the coding strand, the complement: RNF43 is on the minus strand). VCF-style: chr17-58363564-G-A. GRCh37 (hg19) VCF-style: chr17-56440925-G-A.
Other names: c.412C>T, p.Leu138Phe (NM_001305544.3, NM_001438820.1, NM_001438821.1 and 1 more transcripts); c.31C>T, p.Leu11Phe (NM_001305545.2, NM_001437987.1); short protein forms L11F, L138F.
Identifiers: ClinVar variation 4155785 (VCV004155785.1).
Genomic context (GRCh38, chr17:58,363,564, plus strand): 5'-ACACGCAAATGTCCCTGGGTACCTGCTCAGCAGCAGCTCGATCCTCAGTGATGTCAAAGA[G>A]GACAGCACTGGCTCCTCGCTCACCCGCCATCCGAGCCTGCAGAGGCACACAGTAGAGGTT-3'
Protein context (NP_060233.3, residues 128-148): MAGERGASAV[Leu138Phe]FDITEDRAAA

ClinVar aggregate classification (germline): Uncertain significance (1 of 4 stars; one submission).

Submission:

Ambry Genetics
Classification: Uncertain significance. Last evaluated: 2025-08-19. Review status: criteria provided, single submitter. Criteria: Ambry Variant Classification Scheme 2023. Collection method: clinical testing. Allele origin: germline.
Comment: The p.L138F variant (also known as c.412C>T), located in coding exon 3 of the RNF43 gene, results from a C to T substitution at nucleotide position 412. The leucine at codon 138 is replaced by phenylalanine, an amino acid with highly similar properties. This amino acid position is conserved. In addition, this alteration is predicted to be tolerated by in silico analysis. Based on the available evidence, the clinical significance of this variant remains unclear.